The following is an entry in ClinVar:

ClinVar aggregate classification (germline): Likely pathogenic (1 of 4 stars; one submission).

Conditions:
Spondylocostal dysostosis 2, autosomal recessive (SCDO2). Also called: MESP2-Related Spondylocostal Dysostosis, Autosomal Recessive; Spondylocostal dysostosis type 2. Identifiers: Orphanet 2311, MedGen C1837549, MONDO:0012097, OMIM 608681.

Submission:

Natera, Inc.
Classification: Likely pathogenic for Spondylocostal dysostosis type 2. Last evaluated: 2026-01-29. Review status: criteria provided, single submitter. Criteria: Natera Variant Classification Schema (03/2026). Collection method: clinical testing. Allele origin: germline.
Comment: The c.562C>T variant in MESP2 is a nonsense variant predicted to introduce a stop codon at amino acid 188. This variant is expected to result in nonsense mediated decay, truncation, or a dysfunctional protein product. This variant is rare in the general population with a frequency below the threshold expected for the associated phenotype(s). Given the available evidence, this variant is classified as Likely Pathogenic.

NM_001039958.2(MESP2):c.562C>T (p.Gln188Ter)

Gene: MESP2 (mesoderm posterior bHLH transcription factor 2; plus strand). Cytogenetic location: 15q26.1.
Variant type: single nucleotide variant.
Coding change: c.562C>T on transcript NM_001039958.2 (MANE Select); coding-DNA position 562, C replaced by T.
Protein change: p.Gln188Ter; replaces glutamine 188 with a stop codon.
Molecular consequence: nonsense.
Genome position (GRCh38, 1-based): chr15:89,776,919, C>T. VCF-style: chr15-89776919-C-T. GRCh37 (hg19) VCF-style: chr15-90320150-C-T.
Other names: short protein forms Q188*.
Identifiers: ClinVar variation 4814577 (VCV004814577.1).